The following is an entry in ClinVar:

NM_033305.3(VPS13A):c.8007del (p.Lys2669fs)

Gene: VPS13A (vacuolar protein sorting 13 homolog A; plus strand). Cytogenetic location: 9q21.2.
Variant type: Deletion.
Coding change: c.8007del on transcript NM_033305.3 (MANE Select); coding-DNA position 8007, one base deleted (A; older notation c.8007delA).
Protein change: p.Lys2669fs; shifts the reading frame from lysine 2669.
Molecular consequence: frameshift variant.
Genome position (GRCh38, 1-based): chr9:77,358,410, A deleted; the last of 3 consecutive A bases (chr9:77,358,408-77,358,410); deleting any one gives the same sequence. VCF-style (leftmost placement, unchanged base first): chr9-77358407-TA-T. GRCh37 (hg19) VCF-style: chr9-79973323-TA-T.
Other names: c.7890del, p.Lys2630fs (NM_001018037.2); c.8007del, p.Lys2669fs (NM_001018038.3, NM_015186.4); short protein forms K2669fs, K2630fs.
Identifiers: ClinVar variation 3597699 (VCV003597699.2).

ClinVar aggregate classification (germline): Pathogenic. Review status: criteria provided, multiple submitters, no conflicts (2 of 4 stars). 2 submissions from 2 submitters: Pathogenic (2). Last evaluated 2024-05-14.

Conditions:
VPS13A-related neurodegenerative disease. Also called: ACANTHOCYTOSIS WITH NEUROLOGIC DISORDER; Choreoacanthocytosis; Chorea-acanthocytosis; LEVINE-CRITCHLEY SYNDROME; VPS13A Disease; Choreaacanthocytosis. Identifiers: Orphanet 2388, MedGen C0393576, MONDO:0008695, OMIM 200150.

Submissions (2):

Myriad Genetics, Inc.
Classification: Pathogenic for VPS13A-related neurodegenerative disease. Last evaluated: 2024-05-14. Review status: criteria provided, single submitter. Criteria: Myriad Autosomal Dominant, Autosomal Recessive and X-Linked Classification Criteria (2023). Collection method: clinical testing. Allele origin: unknown.
Comment: NM_033305.2(VPS13A):c.8007delA(K2669Nfs*22) is expected to be pathogenic in the context of VPS13A disease. This variant is predicted to lead to an abnormal or absent protein product due to the creation of a premature termination codon in VPS13A, a gene where loss-of-function variants are known to be pathogenic. Please note: this variant was assessed in the context of healthy population screening.

Fulgent Genetics
Classification: Pathogenic for VPS13A-related neurodegenerative disease. Last evaluated: 2024-05-06. Review status: criteria provided, single submitter. Criteria: ACMG Guidelines, 2015. Collection method: clinical testing. Allele origin: germline.